The following is an entry in ClinVar:

NM_001005242.3(PKP2):c.337G>A (p.Ala113Thr)

Gene: PKP2 (plakophilin 2; minus strand). Cytogenetic location: 12p11.21.
Variant type: single nucleotide variant.
Coding change: c.337G>A on transcript NM_001005242.3 (MANE Select); coding-DNA position 337, G replaced by A.
Protein change: p.Ala113Thr; replaces alanine 113 with threonine.
Molecular consequence: missense variant.
Genome position (GRCh38, 1-based): chr12:32,878,543, C>T on the plus strand (G>A on the coding strand, the complement: PKP2 is on the minus strand). VCF-style: chr12-32878543-C-T. GRCh37 (hg19) VCF-style: chr12-33031477-C-T.
Other names: c.337G>A, p.Ala113Thr (NM_001407155.1, NM_001407156.1, NM_001407157.1 and 2 more transcripts); c.10G>A, p.Ala4Thr (NM_001407158.1, NM_001407159.1, NM_001407160.1 and 1 more transcripts); short protein forms A113T, A4T.
Identifiers: ClinVar variation 3387503 (VCV003387503.2).

ClinVar aggregate classification (germline): Uncertain significance. Review status: criteria provided, multiple submitters, no conflicts (2 of 4 stars). 2 submissions from 2 submitters: Uncertain significance (2). Last evaluated 2025-06-01.

Conditions:
Arrhythmogenic right ventricular dysplasia 9 (ARVD9). Also called: ARRHYTHMOGENIC RIGHT VENTRICULAR DYSPLASIA, FAMILIAL, 9; Arrhythmogenic Right Ventricular Dysplasia/Cardiomyopathy 9. Identifiers: MedGen C1836906, MONDO:0012180, OMIM 609040.
Arrhythmogenic right ventricular cardiomyopathy (ARVD). Also called: Arrhythmogenic right ventricular dysplasia; Cardiomyopathy, ARVC; Arrhythmogenic cardiomyopathy; Arrhythmogenic Right Ventricular Cardiomyopathy (ARVC). Identifiers: Orphanet 247, MedGen C0349788, MeSH D019571, MONDO:0016587. Disease mechanism: loss of function. Inheritance: Various modes of inheritance.

gnomAD v4.1: 4 of 1,610,130 alleles (0.00025%); highest among the groups gnomAD compares: Admixed American, 0.0034%; no homozygotes.

Submissions (2):

Labcorp Genetics (formerly Invitae), Labcorp
Classification: Uncertain significance for Arrhythmogenic right ventricular dysplasia 9. Last evaluated: 2025-06-01. Review status: criteria provided, single submitter. Criteria: Invitae Variant Classification Sherloc (09022015). Collection method: clinical testing. Allele origin: germline.
Comment: This sequence change replaces alanine, which is neutral and non-polar, with threonine, which is neutral and polar, at codon 113 of the PKP2 protein (p.Ala113Thr). This variant is not present in population databases (gnomAD no frequency). This variant has not been reported in the literature in individuals affected with PKP2-related conditions. ClinVar contains an entry for this variant (Variation ID: 3387503). An algorithm developed to predict the effect of missense changes on protein structure and function outputs the following: PolyPhen-2: "Benign". The threonine amino acid residue is found in multiple mammalian species, which suggests that this missense change does not adversely affect protein function. In summary, the available evidence is currently insufficient to determine the role of this variant in disease. Therefore, it has been classified as a Variant of Uncertain Significance.

All of Us Research Program, National Institutes of Health
Classification: Uncertain significance for Arrhythmogenic right ventricular cardiomyopathy. Last evaluated: 2024-09-23. Review status: criteria provided, single submitter. Criteria: ACMG Guidelines, 2015. Collection method: clinical testing. Allele origin: germline. Inheritance: Autosomal dominant inheritance. Observed: 5 variant alleles, 5 heterozygotes.
Comment: This missense variant replaces alanine with threonine at codon 113 of the PKP2 protein. Computational prediction suggests that this variant may not impact protein structure and function (internally defined REVEL score threshold <= 0.5, PMID: 27666373). To our knowledge, functional studies have not been reported for this variant. This variant has not been reported in individuals affected with PKP2-related disorders in the literature. This variant has not been identified in the general population by the Genome Aggregation Database (gnomAD). The available evidence is insufficient to determine the role of this variant in disease conclusively. Therefore, this variant is classified as a Variant of Uncertain Significance.

This study involves interpretation of variants in research participants for the purpose of population health screening. Participant phenotype was not available at the time of variant classification. Additional details can be found in publication PMID: 35346344, PMCID: PMC8962531